The following is an entry in ClinVar:

ClinVar aggregate classification (germline): Benign (1 of 4 stars; one submission).

Conditions:
Pheochromocytoma. Also called: MAX-Related Hereditary Paraganglioma-Pheochromocytoma Syndrome. Identifiers: Orphanet 29072, MedGen C0031511, MONDO:0008233, OMIM 171300, HP:0002666.

Submission:

Myriad Genetics, Inc.
Classification: Benign for Pheochromocytoma. Last evaluated: 2026-06-08. Review status: criteria provided, single submitter. Criteria: Myriad Autosomal Dominant, Autosomal Recessive and X-Linked Classification Criteria (2023). Collection method: clinical testing. Allele origin: unknown.
Comment: This variant is considered benign. This variant is a silent/synonymous amino acid change and it is not expected to impact splicing.

NM_002382.5(MAX):c.75G>A (p.Arg25=)

Genes: MAX (MYC associated transcriptional regulator X; minus strand), MAX-AS1 (MAX antisense RNA 1; plus strand). Cytogenetic location: 14q23.3.
Variant type: single nucleotide variant.
Coding change: c.75G>A on transcript NM_002382.5 (MANE Select); coding-DNA position 75, G replaced by A.
Protein change: p.Arg25=; no amino-acid change (arginine 25 retained).
Molecular consequence: synonymous variant. On other transcripts: intron variant (1), non-coding transcript variant (12), 5 prime UTR variant (6), missense variant (1).
Genome position (GRCh38, 1-based): chr14:65,093,804, C>T on the plus strand (G>A on the coding strand, the complement: MAX is on the minus strand). VCF-style: chr14-65093804-C-T. GRCh37 (hg19) VCF-style: chr14-65560522-C-T.
Other names: c.63+7742G>A (NM_001407098.1); c.48G>A, p.Arg16= (NM_001271068.2, NM_001271069.2, NM_001407095.1 and 9 more transcripts); c.-200G>A (NM_001320415.2, NM_001407105.1, NM_001407106.1 and 1 more transcripts); c.75G>A, p.Arg25= (NM_001407094.1, NM_001407096.1, NM_001407097.1 and 5 more transcripts); c.-293G>A (NM_001407111.1, NM_001407112.1); c.98G>A, p.Gly33Glu (NM_001407114.1); short protein forms G33E.
Identifiers: ClinVar variation 4875989 (VCV004875989.1).